The following is an entry in ClinVar:

ClinVar aggregate classification (germline): Uncertain significance (1 of 4 stars; one submission).

Conditions:
Hereditary cancer-predisposing syndrome. Also called: Hereditary Cancer Syndrome; Tumor predisposition; Hereditary neoplastic syndrome; Neoplastic Syndromes, Hereditary. Identifiers: Orphanet 140162, MedGen C0027672, MeSH D009386, MONDO:0015356.

Submission:

Ambry Genetics
Classification: Uncertain significance for Hereditary cancer-predisposing syndrome. Last evaluated: 2024-07-16. Review status: criteria provided, single submitter. Criteria: Ambry Variant Classification Scheme 2023. Collection method: clinical testing. Allele origin: germline.
Comment: The p.K102E variant (also known as c.304A>G), located in coding exon 2 of the MSH3 gene, results from an A to G substitution at nucleotide position 304. The lysine at codon 102 is replaced by glutamic acid, an amino acid with similar properties. This amino acid position is conserved. In addition, the in silico prediction for this alteration is inconclusive. Based on the available evidence, the clinical significance of this variant remains unclear.

NM_002439.5(MSH3):c.304A>G (p.Lys102Glu)

Gene: MSH3 (mutS homolog 3; plus strand). Cytogenetic location: 5q14.1.
Variant type: single nucleotide variant.
Coding change: c.304A>G on transcript NM_002439.5 (MANE Select); coding-DNA position 304, A replaced by G.
Protein change: p.Lys102Glu; replaces lysine 102 with glutamic acid.
Molecular consequence: missense variant.
Genome position (GRCh38, 1-based): chr5:80,656,477, A>G. VCF-style: chr5-80656477-A-G. GRCh37 (hg19) VCF-style: chr5-79952296-A-G.
Other names: short protein forms K102E.
Identifiers: ClinVar variation 3398696 (VCV003398696.1).